The following is an entry in ClinVar:

ClinVar aggregate classification (germline): Likely benign. Review status: criteria provided, single submitter (1 of 4 stars). 2 submissions from 2 submitters: Likely benign (1). 1 of the submissions does not count toward it. Last evaluated 2024-10-10.

Conditions:
KANK2-related disorder. Also called: KANK2-related condition.

Allele frequency attached by ClinVar (database versions not stated): TOPMed 0.00001; gnomAD 0.00003; gnomAD exomes 0.00003; ExAC 0.00008.
gnomAD v4.1: 51 of 1,608,740 alleles (0.0032%); highest among the groups gnomAD compares: South Asian, 0.053%; 1 homozygote.

Submissions (2):

Labcorp Genetics (formerly Invitae), Labcorp
Classification: Likely benign. Last evaluated: 2024-10-10. Review status: criteria provided, single submitter. Criteria: Invitae Variant Classification Sherloc (09022015). Collection method: clinical testing. Allele origin: germline.

PreventionGenetics, part of Exact Sciences
Classification: Likely benign for KANK2-related condition. Last evaluated: 2020-10-12. Review status: no assertion criteria provided. Collection method: clinical testing. Allele origin: germline. Not counted in ClinVar's aggregate classification.
Comment: This variant is classified as likely benign based on ACMG/AMP sequence variant interpretation guidelines (Richards et al. 2015 PMID: 25741868, with internal and published modifications).

NM_001136191.3(KANK2):c.987A>G (p.Thr329=)

Gene: KANK2 (KN motif and ankyrin repeat domains 2; minus strand). Cytogenetic location: 19p13.2.
Variant type: single nucleotide variant.
Coding change: c.987A>G on transcript NM_001136191.3 (MANE Select); coding-DNA position 987, A replaced by G.
Protein change: p.Thr329=; no amino-acid change (threonine 329 retained).
Molecular consequence: synonymous variant.
Genome position (GRCh38, 1-based): chr19:11,193,093, T>C on the plus strand (A>G on the coding strand, the complement: KANK2 is on the minus strand). VCF-style: chr19-11193093-T-C. GRCh37 (hg19) VCF-style: chr19-11303769-T-C.
Other names: c.987A>G, p.Thr329= (NM_001329451.2, NM_001379548.1, NM_001379549.1 and 15 more transcripts).
Identifiers: ClinVar variation 3031756 (VCV003031756.4), dbSNP rs757494438, ClinGen allele CA9205925.